The following is an entry in ClinVar:

NM_020297.4(ABCC9):c.1936C>G (p.Gln646Glu)

Gene: ABCC9 (ATP binding cassette subfamily C member 9; minus strand). Cytogenetic location: 12p12.1.
Variant type: single nucleotide variant.
Coding change: c.1936C>G on transcript NM_020297.4 (MANE Select); coding-DNA position 1936, C replaced by G.
Protein change: p.Gln646Glu; replaces glutamine 646 with glutamic acid.
Molecular consequence: missense variant.
Genome position (GRCh38, 1-based): chr12:21,882,849, G>C on the plus strand (C>G on the coding strand, the complement: ABCC9 is on the minus strand). VCF-style: chr12-21882849-G-C. GRCh37 (hg19) VCF-style: chr12-22035783-G-C.
Other names: c.1936C>G, p.Gln646Glu (NM_001377273.1, NM_005691.4); c.1072C>G, p.Gln358Glu (NM_001377274.1); short protein forms Q358E, Q646E.
Identifiers: ClinVar variation 4766312 (VCV004766312.1).

ClinVar aggregate classification (germline): Uncertain significance (1 of 4 stars; one submission).

Conditions:
Dilated cardiomyopathy 1O (CMD1O). Also called: CARDIOMYOPATHY, DILATED, WITH VENTRICULAR TACHYCARDIA. Identifiers: Orphanet 154, MedGen C1837839, MONDO:0012062, OMIM 608569.

gnomAD v4.1: 2 of 1,613,844 alleles (0.00012%); highest among the groups gnomAD compares: Non-Finnish European, 0.00017%; no homozygotes.

Submission:

Labcorp Genetics (formerly Invitae), Labcorp
Classification: Uncertain significance for Dilated cardiomyopathy 1O. Last evaluated: 2025-12-20. Review status: criteria provided, single submitter. Criteria: Invitae Variant Classification Sherloc (09022015). Collection method: clinical testing. Allele origin: germline.
Comment: This sequence change replaces glutamine, which is neutral and polar, with glutamic acid, which is acidic and polar, at codon 646 of the ABCC9 protein (p.Gln646Glu). This variant is present in population databases (no rsID available, gnomAD 0.0009%). This variant has not been reported in the literature in individuals affected with ABCC9-related conditions. Invitae Evidence Modeling of protein sequence and biophysical properties (such as structural, functional, and spatial information, amino acid conservation, physicochemical variation, residue mobility, and thermodynamic stability) indicates that this missense variant is not expected to disrupt ABCC9 protein function with a negative predictive value of 95%. In summary, the available evidence is currently insufficient to determine the role of this variant in disease. Therefore, it has been classified as a Variant of Uncertain Significance.